The following is an entry in ClinVar:

ClinVar aggregate classification (germline): Conflicting classifications of pathogenicity. Review status: criteria provided, conflicting classifications (1 of 4 stars). 2 submissions from 2 submitters: Uncertain significance (1); Likely benign (1). Last evaluated 2025-12-03.

Conditions:
Sinoatrial node dysfunction and deafness (SANDD). Identifiers: Orphanet 324321, MedGen C3554018, MONDO:0013960, OMIM 614896.

Allele frequency attached by ClinVar (database versions not stated): gnomAD exomes 0.00001 and 0.00004; ExAC 0.00002; TOPMed 0.00002; gnomAD 0.00003 and 0.00004; 1000 Genomes Project 30x 0.00031; 1000 Genomes Project 0.00040.
gnomAD v4.1: 19 of 1,614,096 alleles (0.0012%); highest among the groups gnomAD compares: East Asian, 0.022%; no homozygotes.

Submissions (2):

Labcorp Genetics (formerly Invitae), Labcorp
Classification: Uncertain significance. Last evaluated: 2025-12-03. Review status: criteria provided, single submitter. Criteria: Invitae Variant Classification Sherloc (09022015). Collection method: clinical testing. Allele origin: germline.
Comment: This sequence change replaces valine, which is neutral and non-polar, with isoleucine, which is neutral and non-polar, at codon 897 of the CACNA1D protein (p.Val897Ile). This variant is present in population databases (rs564937293, gnomAD 0.03%). This missense change has been observed in individual(s) with hypertension (PMID: 32561571). ClinVar contains an entry for this variant (Variation ID: 1500556). Invitae Evidence Modeling of protein sequence and biophysical properties (such as structural, functional, and spatial information, amino acid conservation, physicochemical variation, residue mobility, and thermodynamic stability) indicates that this missense variant is not expected to disrupt CACNA1D protein function with a negative predictive value of 80%. In summary, the available evidence is currently insufficient to determine the role of this variant in disease. Therefore, it has been classified as a Variant of Uncertain Significance.

3billion
Classification: Likely benign for Sinoatrial node dysfunction and deafness. Last evaluated: 2024-09-20. Review status: criteria provided, single submitter. Criteria: ACMG Guidelines, 2015. Collection method: clinical testing. Allele origin: germline. Affected: no.
Comment: The homozygous variant was found in patients diagnosed with another variant in a different gene, with no symptoms related to the gene containing the homozygous variant.

Literature cited by the submitters: PubMed 32561571 (cited by Labcorp Genetics (formerly Invitae), Labcorp).

NM_001128840.3(CACNA1D):c.2629G>A (p.Val877Ile)

Gene: CACNA1D (calcium voltage-gated channel subunit alpha1 D; plus strand). Cytogenetic location: 3p21.1.
Variant type: single nucleotide variant.
Coding change: c.2629G>A on transcript NM_001128840.3 (MANE Select); coding-DNA position 2629, G replaced by A.
Protein change: p.Val877Ile; replaces valine 877 with isoleucine.
Molecular consequence: missense variant.
Genome position (GRCh38, 1-based): chr3:53,735,381, G>A. VCF-style: chr3-53735381-G-A. GRCh37 (hg19) VCF-style: chr3-53769408-G-A.
Other names: c.2689G>A, p.Val897Ile (NM_000720.4); c.2629G>A, p.Val877Ile (NM_001128839.3); short protein forms V877I, V897I.
Identifiers: ClinVar variation 1500556 (VCV001500556.7), dbSNP rs564937293, ClinGen allele CA2454309.